The following is an entry in ClinVar:

NM_001369268.1(ACAN):c.2776A>T (p.Ile926Phe)

Gene: ACAN (aggrecan; plus strand). Cytogenetic location: 15q26.1.
Variant type: single nucleotide variant.
Coding change: c.2776A>T on transcript NM_001369268.1 (MANE Select); coding-DNA position 2776, A replaced by T.
Protein change: p.Ile926Phe; replaces isoleucine 926 with phenylalanine.
Molecular consequence: missense variant.
Genome position (GRCh38, 1-based): chr15:88,855,361, A>T. VCF-style: chr15-88855361-A-T. GRCh37 (hg19) VCF-style: chr15-89398592-A-T.
Other names: c.2776A>T, p.Ile926Phe (NM_001135.4, NM_001411096.1, NM_001411097.1 and 1 more transcripts); short protein forms I926F.
Identifiers: ClinVar variation 5008776 (VCV005008776.1).

ClinVar aggregate classification (germline): Uncertain significance (1 of 4 stars; one submission).

Submission:

GeneDx
Classification: Uncertain significance. Last evaluated: 2026-03-12. Review status: criteria provided, single submitter. Criteria: GeneDx Variant Classification Process June 2021. Collection method: clinical testing. Allele origin: germline.
Comment: Not observed at significant frequency in large population cohorts (gnomAD); In silico analysis supports that this missense variant has a deleterious effect on protein structure/function; Has not been previously published as pathogenic or benign to our knowledge